The following is an entry in ClinVar:

NM_004606.5(TAF1):c.281A>G (p.Asn94Ser)

Gene: TAF1 (TATA-box binding protein associated factor 1; plus strand). Cytogenetic location: Xq13.1.
Variant type: single nucleotide variant.
Coding change: c.281A>G on transcript NM_004606.5 (MANE Select); coding-DNA position 281, A replaced by G.
Protein change: p.Asn94Ser; replaces asparagine 94 with serine.
Molecular consequence: missense variant. On other transcripts: non-coding transcript variant (9).
Genome position (GRCh38, 1-based): chrX:71,368,099, A>G. VCF-style: chrX-71368099-A-G. GRCh37 (hg19) VCF-style: chrX-70587949-A-G.
Other names: c.281A>G, p.Asn94Ser (NM_138923.4, NM_001286074.2); short protein forms N94S.
Identifiers: ClinVar variation 1978250 (VCV001978250.5), dbSNP rs764028294, ClinGen allele CA10446545.

ClinVar aggregate classification (germline): Benign/Likely benign. Review status: criteria provided, multiple submitters, no conflicts (2 of 4 stars). 2 submissions from 2 submitters: Benign (1); Likely benign (1). Last evaluated 2026-09-01.

Allele frequency attached by ClinVar (database versions not stated): ExAC 0.00002; gnomAD exomes 0.00002; gnomAD 0.00011; TOPMed 0.00012.

Submissions (2):

CeGaT Center for Human Genetics Tuebingen
Classification: Likely benign. Last evaluated: 2026-09-01. Review status: criteria provided, single submitter. Criteria: CeGaT Center For Human Genetics Tuebingen Variant Classification Criteria Version 2. Collection method: clinical testing. Allele origin: germline. Affected: yes. Observed: 1 variant allele.
Comment: TAF1: BP4, BS2

Labcorp Genetics (formerly Invitae), Labcorp
Classification: Benign. Last evaluated: 2026-01-05. Review status: criteria provided, single submitter. Criteria: Invitae Variant Classification Sherloc (09022015). Collection method: clinical testing. Allele origin: germline.